The following is an entry in ClinVar:

NM_014249.4(NR2E3):c.1215T>G (p.Cys405Trp)

Gene: NR2E3 (nuclear receptor subfamily 2 group E member 3; plus strand). Cytogenetic location: 15q23.
Variant type: single nucleotide variant.
Coding change: c.1215T>G on transcript NM_014249.4 (MANE Select); coding-DNA position 1215, T replaced by G.
Protein change: p.Cys405Trp; replaces cysteine 405 with tryptophan.
Molecular consequence: missense variant.
Genome position (GRCh38, 1-based): chr15:71,817,666, T>G. VCF-style: chr15-71817666-T-G. GRCh37 (hg19) VCF-style: chr15-72110007-T-G.
Other names: short protein forms C405W.
Identifiers: ClinVar variation 4775198 (VCV004775198.1).
Genomic context (GRCh38, chr15:71,817,666, plus strand): 5'-CATCGAGCTCCTCTTTTTCCGCAAGACCATAGGGAATACTCCAATGGAGAAGCTCCTTTG[T>G]GATATGTTCAAAAACTAGTGGGGGTGGAGGTGAAATGTTTCCAAGCACTCTGGAAAACAA-3'
Protein context (NP_055064.1, residues 395-410): IGNTPMEKLL[Cys405Trp]DMFKN

ClinVar aggregate classification (germline): Uncertain significance (1 of 4 stars; one submission).

gnomAD v4.1: 1 of 1,603,262 alleles (0.000062%); highest among the groups gnomAD compares: Admixed American, 0.0017%; no homozygotes.

Submission:

Labcorp Genetics (formerly Invitae), Labcorp
Classification: Uncertain significance. Last evaluated: 2025-10-06. Review status: criteria provided, single submitter. Criteria: Invitae Variant Classification Sherloc (09022015). Collection method: clinical testing. Allele origin: germline.
Comment: This sequence change replaces cysteine, which is neutral and slightly polar, with tryptophan, which is neutral and slightly polar, at codon 405 of the NR2E3 protein (p.Cys405Trp). This variant is not present in population databases (gnomAD no frequency). This variant has not been reported in the literature in individuals affected with NR2E3-related conditions. Invitae Evidence Modeling of protein sequence and biophysical properties (such as structural, functional, and spatial information, amino acid conservation, physicochemical variation, residue mobility, and thermodynamic stability) indicates that this missense variant is expected to disrupt NR2E3 protein function with a positive predictive value of 80%. In summary, the available evidence is currently insufficient to determine the role of this variant in disease. Therefore, it has been classified as a Variant of Uncertain Significance.